The following is an entry in ClinVar:

ClinVar aggregate classification (germline): Pathogenic (1 of 4 stars; one submission).

Conditions:
Familial hemophagocytic lymphohistiocytosis 5. Also called: STXBP2-Related Familial Hemophagocytic Lymphohistiocytosis (STXBP2-fHLH). Identifiers: Orphanet 540, MedGen C2751293, MONDO:0013135, OMIM 613101.

Submission:

Labcorp Genetics (formerly Invitae), Labcorp
Classification: Pathogenic for Familial hemophagocytic lymphohistiocytosis 5. Last evaluated: 2026-01-06. Review status: criteria provided, single submitter. Criteria: Invitae Variant Classification Sherloc (09022015). Collection method: clinical testing. Allele origin: germline.
Comment: This sequence change creates a premature translational stop signal (p.Glu380Argfs*7) in the STXBP2 gene. It is expected to result in an absent or disrupted protein product. Loss-of-function variants in STXBP2 are known to be pathogenic (PMID: 19804848, 22451424). This variant is not present in population databases (gnomAD no frequency). This variant has not been reported in the literature in individuals affected with STXBP2-related conditions. For these reasons, this variant has been classified as Pathogenic.

Literature cited by the submitters: PubMed 19804848; PubMed 22451424.

NM_006949.4(STXBP2):c.1138del (p.Glu380fs)

Gene: STXBP2 (syntaxin binding protein 2; plus strand). Cytogenetic location: 19p13.2.
Variant type: Deletion.
Coding change: c.1138del on transcript NM_006949.4 (MANE Select); coding-DNA position 1138, one base deleted (G; older notation c.1138delG).
Protein change: p.Glu380fs; shifts the reading frame from glutamic acid 380.
Molecular consequence: frameshift variant. On other transcripts: non-coding transcript variant (1).
Genome position (GRCh38, 1-based): chr19:7,644,644, G deleted; the last of 5 consecutive G bases (chr19:7,644,640-7,644,644); deleting any one gives the same sequence. VCF-style (leftmost placement, unchanged base first): chr19-7644639-AG-A. GRCh37 (hg19) VCF-style: chr19-7709525-AG-A.
Other names: c.1129del, p.Glu377fs (NM_001127396.3); c.1171del, p.Glu391fs (NM_001272034.2); c.1042del, p.Glu348fs (NM_001414484.1); short protein forms E380fs, E391fs, E348fs, E377fs.
Identifiers: ClinVar variation 4734807 (VCV004734807.1).